The following is an entry in ClinVar:

NM_016203.4(PRKAG2):c.865-8T>C

Gene: PRKAG2 (protein kinase AMP-activated non-catalytic subunit gamma 2; minus strand). Cytogenetic location: 7q36.1.
Variant type: single nucleotide variant.
Coding change: c.865-8T>C on transcript NM_016203.4 (MANE Select); 8 bases into the intron before coding-DNA position 865, T replaced by C.
Molecular consequence: intron variant.
Genome position (GRCh38, 1-based): chr7:151,576,460, A>G on the plus strand (T>C on the coding strand, the complement: PRKAG2 is on the minus strand). VCF-style: chr7-151576460-A-G. GRCh37 (hg19) VCF-style: chr7-151273546-A-G.
Other names: c.574-8T>C (NM_001407031.1); c.577-8T>C (NM_001407030.1); c.862-8T>C (NM_001407023.1, NM_001407022.1); c.865-8T>C (NM_001407021.1); c.547-8T>C (NM_001407032.1); c.730-8T>C (NM_001407026.1, NM_001407027.1); c.733-8T>C (NM_001040633.2, NM_001407024.1); c.541-8T>C (NM_001407033.1); and 6 more.
Identifiers: ClinVar variation 3073370 (VCV003073370.1), dbSNP rs2536414655, ClinGen allele CA2825001566.
Genomic context (GRCh38, chr7:151,576,460, plus strand): 5'-AGTGGCGCTGCTCGGACACCGTTGGCTACCAAAGCAAAGAAGGCCTTTTTAACCTGAAGA[A>G]AAAGAGGAGAAACAAAACATACTTTCAAAGTCCAGGAAGAAAAATACCTTTTTTTTTTGA-3'

ClinVar aggregate classification (germline): Likely benign (1 of 4 stars; one submission).

Conditions:
Hypertrophic cardiomyopathy. Also called: HYPERTROPHIC MYOCARDIOPATHY. Identifiers: Orphanet 217569, MedGen C0007194, MeSH D002312, MONDO:0005045, HP:0001639.

Submission:

All of Us Research Program, National Institutes of Health
Classification: Likely benign for Hypertrophic cardiomyopathy. Last evaluated: 2023-09-17. Review status: criteria provided, single submitter. Criteria: ACMG Guidelines, 2015. Collection method: clinical testing. Allele origin: germline. Inheritance: Autosomal dominant inheritance. Observed: 1 variant allele, 1 heterozygote.
Comment: This study involves interpretation of variants in research participants for the purpose of population health screening. Participant phenotype was not available at the time of variant classification. Additional details can be found in publication PMID: 35346344, PMCID: PMC8962531